The following is an entry in ClinVar:

ClinVar aggregate classification (germline): Conflicting classifications of pathogenicity. Review status: criteria provided, conflicting classifications (1 of 4 stars). 2 submissions from 2 submitters: Uncertain significance (1); Likely benign (1). Last evaluated 2023-10-01.

Allele frequency attached by ClinVar (database versions not stated): ESP Exome Variant Server 0.00085.
gnomAD v4.1: 1,452 of 1,612,544 alleles (0.09%); highest among the groups gnomAD compares: Non-Finnish European, 0.086%; 5 homozygotes.

Submissions (2):

CeGaT Center for Human Genetics Tuebingen
Classification: Likely benign. Last evaluated: 2023-10-01. Review status: criteria provided, single submitter. Criteria: CeGaT Center For Human Genetics Tuebingen Variant Classification Criteria Version 2. Collection method: clinical testing. Allele origin: germline. Affected: yes. Observed: 1 variant allele.
Comment: UTRN: BS1

Ambry Genetics
Classification: Uncertain significance. Last evaluated: 2021-12-14. Review status: criteria provided, single submitter. Criteria: Ambry Variant Classification Scheme 2023. Collection method: clinical testing. Allele origin: germline.

NM_007124.3(UTRN):c.5769G>C (p.Gln1923His)

Gene: UTRN (utrophin; plus strand). Cytogenetic location: 6q24.2.
Variant type: single nucleotide variant.
Coding change: c.5769G>C on transcript NM_007124.3 (MANE Select); coding-DNA position 5769, G replaced by C.
Protein change: p.Gln1923His; replaces glutamine 1923 with histidine.
Molecular consequence: missense variant.
Genome position (GRCh38, 1-based): chr6:144,523,051, G>C. VCF-style: chr6-144523051-G-C. GRCh37 (hg19) VCF-style: chr6-144844187-G-C.
Other names: c.5769G>C (NM_007124.2); short protein forms Q1923H.
Identifiers: ClinVar variation 2656964 (VCV002656964.25), dbSNP rs115230292, ClinGen allele CA4033547.